The following is an entry in ClinVar:

NM_001145715.3(KPNA7):c.184A>G (p.Thr62Ala)

Gene: KPNA7 (karyopherin subunit alpha 7; minus strand). Cytogenetic location: 7q22.1.
Variant type: single nucleotide variant.
Coding change: c.184A>G on transcript NM_001145715.3 (MANE Select); coding-DNA position 184, A replaced by G.
Protein change: p.Thr62Ala; replaces threonine 62 with alanine.
Molecular consequence: missense variant.
Genome position (GRCh38, 1-based): chr7:99,203,123, T>C on the plus strand (A>G on the coding strand, the complement: KPNA7 is on the minus strand). VCF-style: chr7-99203123-T-C. GRCh37 (hg19) VCF-style: chr7-98800746-T-C.
Other names: short protein forms T62A.
Identifiers: ClinVar variation 1400650 (VCV001400650.5), dbSNP rs749441721, ClinGen allele CA4363289.

ClinVar aggregate classification (germline): Uncertain significance (1 of 4 stars; one submission).

Allele frequency attached by ClinVar (database versions not stated): TOPMed 0.00001; gnomAD 0.00003; gnomAD exomes 0.00006; ExAC 0.00009.
gnomAD v4.1: 46 of 1,551,500 alleles (0.003%); highest among the groups gnomAD compares: South Asian, 0.054%; 1 homozygote.

Submission:

Labcorp Genetics (formerly Invitae), Labcorp
Classification: Uncertain significance. Last evaluated: 2021-08-14. Review status: criteria provided, single submitter. Criteria: Invitae Variant Classification Sherloc (09022015). Collection method: clinical testing. Allele origin: germline.
Comment: This sequence change replaces threonine with alanine at codon 62 of the KPNA7 protein (p.Thr62Ala). The threonine residue is weakly conserved and there is a small physicochemical difference between threonine and alanine. This variant is present in population databases (rs749441721, ExAC 0.03%). This variant has not been reported in the literature in individuals affected with KPNA7-related conditions. Algorithms developed to predict the effect of missense changes on protein structure and function (SIFT, PolyPhen-2, Align-GVGD) all suggest that this variant is likely to be tolerated. In summary, the available evidence is currently insufficient to determine the role of this variant in disease. Therefore, it has been classified as a Variant of Uncertain Significance.